The following is an entry in ClinVar:

ClinVar aggregate classification (germline): Uncertain significance. Review status: criteria provided, multiple submitters, no conflicts (2 of 4 stars). 3 submissions from 3 submitters: Uncertain significance (3). Last evaluated 2024-10-15.

Conditions:
Usher syndrome type 3B. Also called: USHER SYNDROME, TYPE IIIB. Identifiers: MedGen C3281066, MONDO:0013788, OMIM 614504.

Allele frequency attached by ClinVar (database versions not stated): gnomAD 0.00001; TOPMed 0.00005.

Submissions (3):

Labcorp Genetics (formerly Invitae), Labcorp
Classification: Uncertain significance for Usher syndrome type 3B. Last evaluated: 2024-10-15. Review status: criteria provided, single submitter. Criteria: Invitae Variant Classification Sherloc (09022015). Collection method: clinical testing. Allele origin: germline.
Comment: This sequence change replaces isoleucine, which is neutral and non-polar, with valine, which is neutral and non-polar, at codon 465 of the HARS protein (p.Ile465Val). This variant is present in population databases (rs754304255, gnomAD 0.0009%). This variant has not been reported in the literature in individuals affected with HARS-related conditions. ClinVar contains an entry for this variant (Variation ID: 856771). Invitae Evidence Modeling of protein sequence and biophysical properties (such as structural, functional, and spatial information, amino acid conservation, physicochemical variation, residue mobility, and thermodynamic stability) indicates that this missense variant is not expected to disrupt HARS protein function with a negative predictive value of 80%. In summary, the available evidence is currently insufficient to determine the role of this variant in disease. Therefore, it has been classified as a Variant of Uncertain Significance.

Ambry Genetics
Classification: Uncertain significance. Last evaluated: 2024-08-14. Review status: criteria provided, single submitter. Criteria: Ambry Variant Classification Scheme 2023. Collection method: clinical testing. Allele origin: germline.

Blueprint Genetics
Classification: Uncertain significance. Last evaluated: 2024-06-10. Review status: criteria provided, single submitter. Criteria: ACMG Guidelines, 2015. Collection method: clinical testing. Allele origin: germline.

NM_002109.6(HARS1):c.1393A>G (p.Ile465Val)

Gene: HARS1 (histidyl-tRNA synthetase 1; minus strand). Cytogenetic location: 5q31.3.
Variant type: single nucleotide variant.
Coding change: c.1393A>G on transcript NM_002109.6 (MANE Select); coding-DNA position 1393, A replaced by G.
Protein change: p.Ile465Val; replaces isoleucine 465 with valine.
Molecular consequence: missense variant.
Genome position (GRCh38, 1-based): chr5:140,674,744, T>C on the plus strand (A>G on the coding strand, the complement: HARS1 is on the minus strand). VCF-style: chr5-140674744-T-C. GRCh37 (hg19) VCF-style: chr5-140054329-T-C.
Other names: c.1393A>G (NM_002109.3); c.1273A>G, p.Ile425Val (NM_001258040.3); c.1333A>G, p.Ile445Val (NM_001258041.3); c.1213A>G, p.Ile405Val (NM_001258042.3); c.1171A>G, p.Ile391Val (NM_001289092.2); c.1051A>G, p.Ile351Val (NM_001289093.2); c.1306A>G, p.Ile436Val (NM_001289094.2); short protein forms I391V, I425V, I351V, I405V, I465V, I436V, I445V.
Identifiers: ClinVar variation 856771 (VCV000856771.11), dbSNP rs754304255, ClinGen allele CA3443832.